The following is an entry in ClinVar:

ClinVar aggregate classification (germline): Likely benign. Review status: criteria provided, single submitter (1 of 4 stars). 2 submissions from 2 submitters: Likely benign (1). 1 of the submissions does not count toward it. Last evaluated 2025-01-08.

Conditions:
COG5-related disorder. Also called: COG5-related condition.
COG5-congenital disorder of glycosylation. Also called: CONGENITAL DISORDER OF GLYCOSYLATION, TYPE IIi; CDG IIi; COG5-CDG. Identifiers: Orphanet 263487, MedGen C3150876, MONDO:0013325, OMIM 613612.

Allele frequency attached by ClinVar (database versions not stated): gnomAD 0.00001 and 0.00004; TOPMed 0.00003; gnomAD exomes 0.00004 and 0.00005; ExAC 0.00005.
gnomAD v4.1: 62 of 1,613,740 alleles (0.0038%); highest among the groups gnomAD compares: South Asian, 0.022%; 1 homozygote.

Submissions (2):

Labcorp Genetics (formerly Invitae), Labcorp
Classification: Likely benign for COG5-congenital disorder of glycosylation. Last evaluated: 2025-01-08. Review status: criteria provided, single submitter. Criteria: Invitae Variant Classification Sherloc (09022015). Collection method: clinical testing. Allele origin: germline.

PreventionGenetics, part of Exact Sciences
Classification: Likely benign for COG5-related condition. Last evaluated: 2019-10-23. Review status: no assertion criteria provided. Collection method: clinical testing. Allele origin: germline. Not counted in ClinVar's aggregate classification.
Comment: This variant is classified as likely benign based on ACMG/AMP sequence variant interpretation guidelines (Richards et al. 2015 PMID: 25741868, with internal and published modifications).

NM_006348.5(COG5):c.1153T>C (p.Leu385=)

Gene: COG5 (component of oligomeric golgi complex 5; minus strand). Cytogenetic location: 7q22.3.
Variant type: single nucleotide variant.
Coding change: c.1153T>C on transcript NM_006348.5 (MANE Select); coding-DNA position 1153, T replaced by C.
Protein change: p.Leu385=; no amino-acid change (leucine 385 retained).
Molecular consequence: synonymous variant.
Genome position (GRCh38, 1-based): chr7:107,298,302, A>G on the plus strand (T>C on the coding strand, the complement: COG5 is on the minus strand). VCF-style: chr7-107298302-A-G. GRCh37 (hg19) VCF-style: chr7-106938747-A-G.
Other names: c.1246T>C (NM_006348.3); c.1153T>C, p.Leu385= (NM_001161520.2, NM_001379511.1, NM_001379512.1 and 3 more transcripts); c.583T>C, p.Leu195= (NM_001379515.1); c.439T>C, p.Leu147= (NM_001379516.1).
Identifiers: ClinVar variation 1569837 (VCV001569837.10), dbSNP rs746295764, ClinGen allele CA4430990.
Genomic context (GRCh38, chr7:107,298,302, plus strand): 5'-CTTGGATATGCTGACTGTATTGTTGAAGACGCTTCCATAAGTCATTATAAAGACGTAATA[A>G]TTTAGGGTATTCTCCTTCAAATGCCTGCTTCAAAAACATCGAAGCTGCCAAGCAAAACAA-3'
Protein context (NP_006339.4, residues 375-395): KQAFEGEYPK[Leu385=]LRLYNDLWKR